The following continues an entry in ClinVar:

NM_000363.5(TNNI3):c.497C>T (p.Ser166Phe)

Gene: TNNI3. ClinVar aggregate classification (germline): Pathogenic/Likely pathogenic. Pathogenic (7); Likely pathogenic (13).

Submissions 10 to 24 of 24:

Victorian Clinical Genetics Services, Murdoch Childrens Research Institute
Classification: Pathogenic for Hypertrophic cardiomyopathy 7. Last evaluated: 2024-10-28. Review status: criteria provided, single submitter. Criteria: ACMG Guidelines, 2015. Collection method: clinical testing. Allele origin: germline. Affected: yes.
Comment: This variant is classified as Pathogenic. Evidence in support of pathogenic classification: Variant is present in gnomAD <0.01 (v4: 8 heterozygote(s), 0 homozygote(s)); This variant has strong previous evidence of pathogenicity in unrelated individuals. This variant has been classified as pathogenic and likely pathogenic by multiple clinical laboratories in ClinVar; Missense variant consistently predicted to be damaging by an in silico tool or highly conserved with a major amino acid change. Additional information: Variant is predicted to result in a missense amino acid change from serine to phenylalanine; This variant is heterozygous; This gene is associated with both recessive and dominant disease. The recessive form of inheritance is the exception and has only been reported in a small number of families (PMID: 15070570, 23270746); Multiple alternative amino acid changes at the same position have been observed in gnomAD (v4; highest allele count 3 heterozygote(s), 0 homozygote(s)); Gain of function and loss of function are reported mechanisms of disease in this gene. The former is associated with familial restrictive cardiomyopathy 1 (MIM#115210) and hypertrophic cardiomyopathy 7 (MIM#613690), while the latter is associated with dilated cardiomyopathy 1FF (MIM#613286) (PMID: 19914256, 21533915) - The condition associated with this gene has incomplete penetrance (PMID: 15607392, 32731933); Variants in this gene are known to have variable expressivity (PMID: 23270746); Inheritance information for this variant is not currently available in this individual.

All of Us Research Program, National Institutes of Health
Classification: Likely pathogenic for Hypertrophic cardiomyopathy. Last evaluated: 2024-09-24. Review status: criteria provided, single submitter. Criteria: ACMG Guidelines, 2015. Collection method: clinical testing. Allele origin: germline. Inheritance: Autosomal dominant inheritance. Observed: 7 variant alleles, 7 heterozygotes.
Comment: This missense variant replaces serine with phenylalanine at codon 166 in the C-terminal mobile domain of the TNNI3 protein. Computational prediction tools indicate that this variant has a deleterious impact on protein structure and function. One in-vitro functional study showed that this variant led to an increase in calcium sensitivity as well as a decrease in the rate of calcium dissociation from the troponin complex (PMID: 22675533). This variant has been reported in over ten individuals affected with hypertrophic cardiomyopathy (PMID: 12860912, 12974739, 15519027, 15607392 , 21533915, 21839045, 15519027, 27532257, 30847666, 31737537, 33662488, 35626289). One of these individuals also carried a pathogenic variant in the MYBPC3 gene (PMID: 15519027, 21839045). This variant has also been reported in one individual affected with atrioventricular block (PMID: 35470684), in one infant affected with sudden death (PMID: 22361390), and in one individual affected with juvenile ischemic stroke (PMID: 36411388). This variant has been identified in 2/249054 chromosomes in the general population by the Genome Aggregation Database (gnomAD). Based on the available evidence, this variant is classified as Likely Pathogenic.

This study involves interpretation of variants in research participants for the purpose of population health screening. Participant phenotype was not available at the time of variant classification. Additional details can be found in publication PMID: 35346344, PMCID: PMC8962531

Blueprint Genetics
Classification: Pathogenic for TNNI3-related disorders. Last evaluated: 2024-07-26. Review status: criteria provided, single submitter. Criteria: ACMG Guidelines, 2015. Collection method: clinical testing. Allele origin: germline. Affected: yes. Observed: 1 variant allele.

CHEO Genetics Diagnostic Laboratory, Children's Hospital of Eastern Ontario
Classification: Pathogenic for Cardiomyopathy. Last evaluated: 2023-06-06. Review status: criteria provided, single submitter. Criteria: ACMG Guidelines, 2015. Collection method: clinical testing. Allele origin: germline.

MGZ Medical Genetics Center
Classification: Likely pathogenic for Hypertrophic cardiomyopathy 7. Last evaluated: 2021-12-30. Review status: criteria provided, single submitter. Criteria: ACMG Guidelines, 2015. Collection method: clinical testing. Allele origin: germline. Affected: yes. Observed: 2 variant alleles.
Comment: ACMG criteria applied: PS3_MOD, PS4_MOD, PM2_SUP, PP3

Mayo Clinic Laboratories, Mayo Clinic
Classification: Likely pathogenic. Last evaluated: 2021-09-09. Review status: criteria provided, single submitter. Criteria: ACMG Guidelines, 2015. Collection method: clinical testing. Allele origin: germline.
Comment: PM1, PM2_supporting, PS3_supporting, PS4_moderate

AiLife Diagnostics
Classification: Likely pathogenic. Last evaluated: 2021-07-20. Review status: criteria provided, single submitter. Criteria: ACMG Guidelines, 2015. Collection method: clinical testing. Allele origin: germline. Affected: yes. Observed: 1 variant allele.

Institute of Medical Genetics and Applied Genomics, University Hospital Tübingen
Classification: Pathogenic. Last evaluated: 2021-06-17. Review status: criteria provided, single submitter. Criteria: ACMG Guidelines, 2015. Collection method: clinical testing. Allele origin: germline. Inheritance: Autosomal dominant inheritance. Affected: yes.

Laboratory for Molecular Medicine, Mass General Brigham Personalized Medicine
Classification: Likely pathogenic for Hypertrophic cardiomyopathy. Last evaluated: 2020-05-25. Review status: criteria provided, single submitter. Criteria: LMM Criteria. Collection method: clinical testing. Allele origin: germline. Inheritance: Autosomal dominant inheritance. Observed: 3 variant alleles.
Comment: The p.Ser166Phe variant in TNNI3 has been reported at least 10 individuals with HCM and 1 infant with sudden infant death (Van Driest 2003, Mogensen 2004, van den Wigngaard 2011, Brion 2012, LMM data). One of these individuals also carried a pathogenic variant in MYBPC3 and had an early age of disease onset (Van Driest 2004). This variant has also been reported by other clinical laboratories in ClinVar (Variation ID: 177630) and has been identified in 0.002% (2/113184) of European chromosomes by gnomAD. In vitro functional studies support an impact on protein function (Liu 2012). Additionally, computational prediction tools and conservation analyses are consistent with pathogenicity. In summary, although additional studies are required to fully establish its clinical significance, this variant meets criteria to be classified as likely pathogenic for autosomal dominant HCM. ACMG/AMP Criteria applied:PM2, PS4_Moderate, PP3, PS3_Supporting.

Human Genome Sequencing Center Clinical Lab, Baylor College of Medicine
Classification: Likely pathogenic for Hypertrophic cardiomyopathy 7. Last evaluated: 2018-01-18. Review status: criteria provided, single submitter. Criteria: ACMG Guidelines, 2015. Collection method: clinical testing. Allele origin: germline.
Comment: The c.497C>T (p.Ser166Phe) variant has been reported in several patients with hypertrophic cardiomyopathy (HCM) [PMID 21533915, 12974739, 26914223]. One of the reported patient also carried a variant in MYH7 (p.Cys905Phe) [PMID 12974739]. The variant was detected in 4/1,040 patients in the Netherland and is consider a founder mutation in this population [PMID 21533915]. Functional assays showed that this change alters the calcium binding properties of the Tn complex [PMID 22675533]. This variant was observed in only one individual at the heterozygous state in the ExAC population database.Serine at position 166 of the TNNI3 protein is conserved in mammals and while not clinically validated, computer-based algorithms (SIFT and Polyphen-2) predict this p.Ser166Phe change to be deleterious. This variant is thus classified as likely pathogenic.

Stanford Center for Inherited Cardiovascular Disease, Stanford University
Classification: Likely pathogenic. Last evaluated: 2014-04-11. Review status: criteria provided, single submitter. Criteria: ACMG Guidelines, 2015. Collection method: provider interpretation. Allele origin: germline.

Clinical Genetics DNA and cytogenetics Diagnostics Lab, Erasmus MC, Erasmus Medical Center
Classification: Pathogenic. Review status: no assertion criteria provided. Collection method: clinical testing. Allele origin: germline. Affected: yes. Study: VKGL Data-share Consensus. Not counted in ClinVar's aggregate classification.

Clinical Genetics, Academic Medical Center
Classification: Pathogenic. Review status: no assertion criteria provided. Collection method: clinical testing. Allele origin: germline. Affected: yes. Study: VKGL Data-share Consensus. Not counted in ClinVar's aggregate classification.

Diagnostic Laboratory, Department of Genetics, University Medical Center Groningen
Classification: Pathogenic. Review status: no assertion criteria provided. Collection method: clinical testing. Allele origin: germline. Affected: yes. Study: VKGL Data-share Consensus. Not counted in ClinVar's aggregate classification.

Joint Genome Diagnostic Labs from Nijmegen and Maastricht, Radboudumc and MUMC+
Classification: Pathogenic. Review status: no assertion criteria provided. Collection method: clinical testing. Allele origin: germline. Affected: yes. Study: VKGL Data-share Consensus. Not counted in ClinVar's aggregate classification.

Literature cited by the submitters: PubMed 21533915 (cited by 8 submitters); PubMed 22675533 (cited by 8 submitters); PubMed 36411388 (cited by 3 submitters); PubMed 12974739 (cited by 6 submitters); PubMed 15519027 (cited by 4 submitters); PubMed 15607392 (cited by 6 submitters); PubMed 21839045 (cited by 4 submitters); PubMed 22361390 (cited by 6 submitters); PubMed 12860912 (cited by 4 submitters); PubMed 27532257 (cited by 4 submitters); PubMed 30696458 (cited by Color Diagnostics, LLC DBA Color Health); PubMed 30847666 (cited by 3 submitters); PubMed 31737537 (cited by 3 submitters); PubMed 33662488 (cited by Color Diagnostics, LLC DBA Color Health); PubMed 35470684 (cited by Color Diagnostics, LLC DBA Color Health and All of Us Research Program, National Institutes of Health); PubMed 35626289 (cited by Color Diagnostics, LLC DBA Color Health); PubMed 38757491 (cited by Color Diagnostics, LLC DBA Color Health); PubMed 15070570 (cited by Victorian Clinical Genetics Services, Murdoch Childrens Research Institute); PubMed 32731933 (cited by Victorian Clinical Genetics Services, Murdoch Childrens Research Institute); PubMed 23270746 (cited by Victorian Clinical Genetics Services, Murdoch Childrens Research Institute); PubMed 19914256 (cited by Victorian Clinical Genetics Services, Murdoch Childrens Research Institute); PubMed 11121119 (cited by Mayo Clinic Laboratories, Mayo Clinic); PubMed 24510615 (cited by Mayo Clinic Laboratories, Mayo Clinic and Laboratory for Molecular Medicine, Mass General Brigham Personalized Medicine); PubMed 26440512 (cited by Mayo Clinic Laboratories, Mayo Clinic); PubMed 26914223 (cited by 3 submitters); PubMed 31447099 (cited by Mayo Clinic Laboratories, Mayo Clinic and AiLife Diagnostics).